The following is an entry in ClinVar:

NM_024596.5(MCPH1):c.2452+4414C>T

Genes: MCPH1 (microcephalin 1; plus strand), MCPH1-AS1 (MCPH1 antisense RNA 1; minus strand). Cytogenetic location: 8p23.1.
Variant type: single nucleotide variant.
Coding change: c.2452+4414C>T on transcript NM_024596.5 (MANE Select); 4414 bases into the intron after coding-DNA position 2452, C replaced by T.
Molecular consequence: intron variant. On other transcripts: synonymous variant (1).
Genome position (GRCh38, 1-based): chr8:6,626,105, C>T. VCF-style: chr8-6626105-C-T. GRCh37 (hg19) VCF-style: chr8-6483626-C-T.
Other names: c.2173+4414C>T (NM_001363980.2); c.2452+4414C>T (NM_001363979.1); c.2601C>T, p.Asp867= (NM_001410917.1); c.2594+1068C>T (NM_001322042.2).
Identifiers: ClinVar variation 4873242 (VCV004873242.2).
Genomic context (GRCh38, chr8:6,626,105, plus strand): 5'-CCCGCCAGCCTTTGTTCCTGCACAGTCTGCCTCTCAAGACCAACAACTCCATATCTATGA[C>T]GATAAAAATTGTTAGTGATTATTTTACTTGTAAGAATTTCTTTCGACCTCAGCTCTGAGG-3'

ClinVar aggregate classification (germline): Likely benign (1 of 4 stars; one submission).

gnomAD v4.1: 190 of 985,334 alleles (0.019%); highest among the groups gnomAD compares: Admixed American, 0.87%; 1 homozygote.

Submission:

CeGaT Center for Human Genetics Tuebingen
Classification: Likely benign. Last evaluated: 2026-05-01. Review status: criteria provided, single submitter. Criteria: CeGaT Center For Human Genetics Tuebingen Variant Classification Criteria Version 2. Collection method: clinical testing. Allele origin: germline. Affected: yes. Observed: 1 variant allele.
Comment: MCPH1: BP4, BP7